The following is an entry in ClinVar:

NM_194454.3(KRIT1):c.1967del (p.Ile656fs)

Gene: KRIT1 (KRIT1 ankyrin repeat containing; minus strand). Cytogenetic location: 7q21.2.
Variant type: Deletion.
Coding change: c.1967del on transcript NM_194454.3 (MANE Select); coding-DNA position 1967, one base deleted (T; older notation c.1967delT).
Protein change: p.Ile656fs; shifts the reading frame from isoleucine 656.
Molecular consequence: frameshift variant.
Genome position (GRCh38, 1-based): chr7:92,213,253, A deleted on the plus strand (T on the coding strand, the reverse complement: KRIT1 is on the minus strand). VCF-style (leftmost placement, unchanged base first): chr7-92213252-GA-G. GRCh37 (hg19) VCF-style: chr7-91842566-GA-G.
Other names: c.1823del, p.Ile608fs (NM_001013406.2, NM_001350669.1, NM_001350670.1); c.1253del, p.Ile418fs (NM_001350671.1); c.1967del, p.Ile656fs (NM_001350672.1, NM_001350673.1, NM_001350674.1 and 26 more transcripts); short protein forms I418fs, I608fs, I656fs.
Identifiers: ClinVar variation 1807224 (VCV001807224.2), dbSNP rs2535704686, ClinGen allele CA2580077449.
Genomic context (GRCh38, chr7:92,213,252, plus strand): 5'-TACCTTAGTTTCCATGTTGAGGAGATGAAGTCCTTTTATATTCACTCCTACATACACAGG[GA>G]TGACTTTATGATTGCTGGGGCTTGCCTTTGTAAATATCTGTCCTGTGAAAAATGCTGCTC-3'

ClinVar aggregate classification (germline): Pathogenic. Review status: criteria provided, multiple submitters, no conflicts (2 of 4 stars). 2 submissions from 2 submitters: Pathogenic (2). Last evaluated 2026-01-15.

Submissions (2):

GeneDx
Classification: Pathogenic. Last evaluated: 2026-01-15. Review status: criteria provided, single submitter. Criteria: GeneDx Variant Classification Process June 2021. Collection method: clinical testing. Allele origin: germline.
Comment: Frameshift variant predicted to result in protein truncation or nonsense mediated decay in a gene for which loss of function is a known mechanism of disease; Not observed at significant frequency in large population cohorts (gnomAD); Has not been previously published as pathogenic or benign to our knowledge

Athena Diagnostics
Classification: Pathogenic. Last evaluated: 2021-06-17. Review status: criteria provided, single submitter. Criteria: Athena Diagnostics Criteria. Collection method: clinical testing. Allele origin: unknown.
Comment: This variant is expected to result in the loss of a functional protein. This variant has not been reported in large, multi-ethnic general populations. This variant has been identified in at least one individual tested at Athena Diagnostics with clinical features associated with this gene.